The following is an entry in ClinVar:

NM_004230.4(S1PR2):c.433A>G (p.Ser145Gly)

Gene: S1PR2 (sphingosine-1-phosphate receptor 2; minus strand). Cytogenetic location: 19p13.2.
Variant type: single nucleotide variant.
Coding change: c.433A>G on transcript NM_004230.4 (MANE Select); coding-DNA position 433, A replaced by G.
Protein change: p.Ser145Gly; replaces serine 145 with glycine.
Molecular consequence: missense variant.
Genome position (GRCh38, 1-based): chr19:10,224,473, T>C on the plus strand (A>G on the coding strand, the complement: S1PR2 is on the minus strand). VCF-style: chr19-10224473-T-C. GRCh37 (hg19) VCF-style: chr19-10335149-T-C.
Other names: short protein forms S145G.
Identifiers: ClinVar variation 4077183 (VCV004077183.2).

ClinVar aggregate classification (germline): Uncertain significance. Review status: criteria provided, multiple submitters, no conflicts (2 of 4 stars). 2 submissions from 2 submitters: Uncertain significance (2). Last evaluated 2025-11-24.

Conditions:
Inborn genetic diseases. Identifiers: MedGen C0950123, MeSH D030342.

gnomAD v4.1: 1 of 1,613,836 alleles (0.000062%); no homozygotes.

Submissions (2):

Ambry Genetics
Classification: Uncertain significance for Inborn genetic diseases. Last evaluated: 2025-11-24. Review status: criteria provided, single submitter. Criteria: Ambry Variant Classification Scheme 2023. Collection method: clinical testing. Allele origin: germline.

GeneDx
Classification: Uncertain significance. Last evaluated: 2025-02-28. Review status: criteria provided, single submitter. Criteria: GeneDx Variant Classification Process June 2021. Collection method: clinical testing. Allele origin: germline. Affected: yes.
Comment: Not observed at significant frequency in large population cohorts (gnomAD); In silico analysis indicates that this missense variant does not alter protein structure/function; Has not been previously published as pathogenic or benign to our knowledge